The following is an entry in ClinVar:

ClinVar aggregate classification (germline): Uncertain significance. Review status: criteria provided, multiple submitters, no conflicts (2 of 4 stars). 4 submissions from 3 submitters: Uncertain significance (4). Last evaluated 2025-01-19.

Conditions:
Cardiovascular phenotype. Identifiers: MedGen CN230736.
Hereditary cancer-predisposing syndrome. Also called: Hereditary neoplastic syndrome; Neoplastic Syndromes, Hereditary; Tumor predisposition; Hereditary Cancer Syndrome. Identifiers: Orphanet 140162, MedGen C0027672, MeSH D009386, MONDO:0015356.
Neurofibromatosis, type 1 (NF1). Also called: VON RECKLINGHAUSEN DISEASE; Peripheral type neurofibromatosis; NEUROFIBROMATOSIS, TYPE I, SOMATIC; Neurofibromatosis, type I. Identifiers: Orphanet 636, MedGen C0027831, MONDO:0018975, OMIM 162200. Disease mechanism: loss of function.

Submissions (4):

Labcorp Genetics (formerly Invitae), Labcorp
Classification: Uncertain significance for Neurofibromatosis, type 1. Last evaluated: 2025-01-19. Review status: criteria provided, single submitter. Criteria: Invitae Variant Classification Sherloc (09022015). Collection method: clinical testing. Allele origin: germline.
Comment: This sequence change replaces isoleucine, which is neutral and non-polar, with valine, which is neutral and non-polar, at codon 2527 of the NF1 protein (p.Ile2527Val). This variant is not present in population databases (gnomAD no frequency). This variant has not been reported in the literature in individuals affected with NF1-related conditions. ClinVar contains an entry for this variant (Variation ID: 481897). Invitae Evidence Modeling of protein sequence and biophysical properties (such as structural, functional, and spatial information, amino acid conservation, physicochemical variation, residue mobility, and thermodynamic stability) indicates that this missense variant is not expected to disrupt NF1 protein function with a negative predictive value of 95%. In summary, the available evidence is currently insufficient to determine the role of this variant in disease. Therefore, it has been classified as a Variant of Uncertain Significance.

GeneDx
Classification: Uncertain significance. Last evaluated: 2023-05-26. Review status: criteria provided, single submitter. Criteria: GeneDx Variant Classification Process June 2021. Collection method: clinical testing. Allele origin: germline. Affected: yes.
Comment: Not observed at significant frequency in large population cohorts (gnomAD); In silico analysis supports that this missense variant does not alter protein structure/function; Has not been previously published as pathogenic or benign to our knowledge; This variant is associated with the following publications: (PMID: 25486365)

Ambry Genetics
Classification: Uncertain significance for Cardiovascular phenotype; Hereditary cancer-predisposing syndrome. Last evaluated: 2021-03-26. Review status: criteria provided, single submitter. Criteria: Ambry Variant Classification Scheme 2023. Collection method: clinical testing. Allele origin: germline.

Ambry Genetics
Classification: Uncertain significance for Hereditary cancer-predisposing syndrome. Last evaluated: 2016-02-10. Review status: criteria provided, single submitter. Criteria: Ambry Autosomal Dominant and X-Linked criteria (10/2015). Collection method: clinical testing. Allele origin: germline. Observed: 1 variant allele.
Comment: The p.I2548V variant (also known as c.7642A>G), located in coding exon 52 of the NF1 gene, results from an A to G substitution at nucleotide position 7642. The isoleucine at codon 2548 is replaced by valine, an amino acid with highly similar properties. This variant was not reported in population based cohorts in the following databases: Database of Single Nucleotide Polymorphisms (dbSNP), NHLBI Exome Sequencing Project (ESP), and 1000 Genomes Project. In the ESP, this variant was not observed in 6503 samples (13006 alleles) with coverage at this position. To date, this alteration has been detected with an allele frequency of approximately 0.001% (greater than 110000alleles tested) in our clinical cohort.This amino acid position is highly conserved in available vertebrate species. In addition, this alteration is predicted to be tolerated by in silico analysis.Since supporting evidence is limited at this time, the clinical significance of this alterationremains unclear.

NM_001042492.3(NF1):c.7642A>G (p.Ile2548Val)

Gene: NF1 (neurofibromin 1; plus strand). Cytogenetic location: 17q11.2.
Variant type: single nucleotide variant.
Coding change: c.7642A>G on transcript NM_001042492.3 (MANE Select); coding-DNA position 7642, A replaced by G.
Protein change: p.Ile2548Val; replaces isoleucine 2548 with valine.
Molecular consequence: missense variant.
Genome position (GRCh38, 1-based): chr17:31,356,486, A>G. VCF-style: chr17-31356486-A-G. GRCh37 (hg19) VCF-style: chr17-29683504-A-G.
Other names: c.7579A>G, p.Ile2527Val (NM_000267.4); short protein forms I2527V, I2548V.
Identifiers: ClinVar variation 481897 (VCV000481897.10), dbSNP rs1555536636, ClinGen allele CA399018031.
Genomic context (GRCh38, chr17:31,356,486, plus strand): 5'-AATGAACTTGCATATTCTTAACTTTTGTTTATAGGAACAAGGAAAAGTTTTGATCACTTG[A>G]TATCAGACACAAAGGCTCCTAAAAGGCAAGAAATGGAATCAGGGATCACAACACCCCCCA-3'
Protein context (NP_001035957.1, residues 2538-2558): LGTRKSFDHL[Ile2548Val]SDTKAPKRQE